The following is an entry in ClinVar:

NM_170707.4(LMNA):c.1169C>T (p.Ser390Phe)

Gene: LMNA (lamin A/C; plus strand). Cytogenetic location: 1q22.
Variant type: single nucleotide variant.
Coding change: c.1169C>T on transcript NM_170707.4 (MANE Select); coding-DNA position 1169, C replaced by T.
Protein change: p.Ser390Phe; replaces serine 390 with phenylalanine.
Molecular consequence: missense variant.
Genome position (GRCh38, 1-based): chr1:156,136,225, C>T. VCF-style: chr1-156136225-C-T. GRCh37 (hg19) VCF-style: chr1-156106016-C-T.
Other names: c.833C>T, p.Ser278Phe (NM_001257374.3, NM_001406989.1, NM_001406998.1); c.926C>T, p.Ser309Phe (NM_001282624.2, NM_001406986.1, NM_001406987.1); c.1169C>T, p.Ser390Phe (NM_001282625.2, NM_001282626.2, NM_001406983.1 and 6 more transcripts); c.872C>T, p.Ser291Phe (NM_001406988.1); c.611C>T, p.Ser204Phe (NM_001406990.1, NM_001406993.1, NM_001406995.1 and 4 more transcripts); c.545C>T, p.Ser182Phe (NM_001406994.1, NM_001406999.1, NM_001407000.1 and 1 more transcripts); short protein forms S309F, S390F, S204F, S278F, S291F, S182F.
Identifiers: ClinVar variation 2894607 (VCV002894607.6), dbSNP rs2102889442, ClinGen allele CA342820822.

ClinVar aggregate classification (germline): Uncertain significance. Review status: criteria provided, multiple submitters, no conflicts (2 of 4 stars). 4 submissions from 4 submitters: Uncertain significance (4). Last evaluated 2025-04-23.

Conditions:
Primary dilated cardiomyopathy (DCM). Also called: Dilated Cardiomyopathy. Identifiers: Orphanet 217604, MedGen C0007193, MeSH D002311, MONDO:0005021, HP:0001644. Inheritance: Various modes of inheritance.
Charcot-Marie-Tooth disease type 2. Also called: Charcot-Marie-Tooth type 2. Identifiers: Orphanet 64746, MedGen C0270914, MONDO:0018993.

Submissions (4):

Labcorp Genetics (formerly Invitae), Labcorp
Classification: Uncertain significance for Charcot-Marie-Tooth disease type 2. Last evaluated: 2025-04-23. Review status: criteria provided, single submitter. Criteria: Invitae Variant Classification Sherloc (09022015). Collection method: clinical testing. Allele origin: germline.
Comment: This sequence change replaces serine, which is neutral and polar, with phenylalanine, which is neutral and non-polar, at codon 390 of the LMNA protein (p.Ser390Phe). This variant is not present in population databases (gnomAD no frequency). This variant has not been reported in the literature in individuals affected with LMNA-related conditions. ClinVar contains an entry for this variant (Variation ID: 2894607). Invitae Evidence Modeling of protein sequence and biophysical properties (such as structural, functional, and spatial information, amino acid conservation, physicochemical variation, residue mobility, and thermodynamic stability) indicates that this missense variant is expected to disrupt LMNA protein function with a positive predictive value of 95%. In summary, the available evidence is currently insufficient to determine the role of this variant in disease. Therefore, it has been classified as a Variant of Uncertain Significance.

Athena Diagnostics
Classification: Uncertain significance. Last evaluated: 2024-05-07. Review status: criteria provided, single submitter. Criteria: Athena Diagnostics Criteria. Collection method: clinical testing. Allele origin: unknown.
Comment: Available data are insufficient to determine the clinical significance of the variant at this time. This variant has not been reported in large, multi-ethnic general populations. Polyphen and MutationTaster predict this amino acid change may be damaging to the protein.

All of Us Research Program, National Institutes of Health
Classification: Uncertain significance for Primary dilated cardiomyopathy. Last evaluated: 2023-02-24. Review status: criteria provided, single submitter. Criteria: ACMG Guidelines, 2015. Collection method: clinical testing. Allele origin: germline. Inheritance: Autosomal dominant inheritance. Observed: 1 variant allele, 1 heterozygote.
Comment: This missense variant replaces serine with phenylalanine at codon 390 of the LMNA protein. Computational prediction suggests that this variant may have deleterious impact on protein structure and function (internally defined REVEL score threshold >= 0.7, PMID: 27666373). To our knowledge, functional studies have not been reported for this variant. This variant has not been reported in individuals affected with LMNA-related disorders in the literature. This variant has not been identified in the general population by the Genome Aggregation Database (gnomAD). The available evidence is insufficient to determine the role of this variant in disease conclusively. Therefore, this variant is classified as a Variant of Uncertain Significance.

This study involves interpretation of variants in research participants for the purpose of population health screening. Participant phenotype was not available at the time of variant classification. Additional details can be found in publication PMID: 35346344, PMCID: PMC8962531

Blueprint Genetics
Classification: Uncertain significance. Last evaluated: 2018-06-19. Review status: criteria provided, single submitter. Criteria: ACMG Guidelines, 2015. Collection method: clinical testing. Allele origin: germline.